The following is an entry in ClinVar:

ClinVar aggregate classification (germline): Pathogenic/Likely pathogenic. Review status: criteria provided, multiple submitters, no conflicts (2 of 4 stars). 13 submissions from 13 submitters: Pathogenic (10); Likely pathogenic (2). 1 of the submissions does not count toward it. Last evaluated 2025-10-05.

Conditions:
Marfan Syndrome/Loeys-Dietz Syndrome/Familial Thoracic Aortic Aneurysms and Dissections. Identifiers: MedGen CN229799.
Marfan syndrome (MFS). Also called: Marfan syndrome, classic; FBN1-Related Marfan Syndrome; Marfan syndrome type 1; Marfan's syndrome; MARFAN SYNDROME, TYPE I. Identifiers: Orphanet 284963, Orphanet 558, MedGen C0024796, MONDO:0007947, OMIM 154700.
Familial thoracic aortic aneurysm and aortic dissection (TAAD). Also called: Thoracic aortic aneurysms and dissections. Identifiers: Orphanet 91387, MedGen C4707243, MONDO:0019625.
FBN1-related disorder. Also called: FBN1-related disorders.

Submissions (13):

Clinical Biomedical Laboratory, Shriners Hospital For Children - Canada
Classification: Pathogenic for Marfan syndrome. Last evaluated: 2025-10-05. Review status: criteria provided, single submitter. Criteria: ACMG Guidelines, 2015. Collection method: clinical testing. Allele origin: germline. Affected: yes.
Comment: This variant is predicted to substitute a glycine residue by a serine residue in FBN1. This variant is absent from the Genome Aggregation Database (v2.1.1). Computational tools (Revel: 0.919) suggest that the amino acid change is damaging to protein function.

Genomic Medicine Center of Excellence, King Faisal Specialist Hospital and Research Centre
Classification: Likely pathogenic for Marfan syndrome. Last evaluated: 2025-09-10. Review status: criteria provided, single submitter. Criteria: ACMG Guidelines, 2015. Collection method: clinical testing. Allele origin: germline.

Labcorp Genetics (formerly Invitae), Labcorp
Classification: Pathogenic for Marfan syndrome; Familial thoracic aortic aneurysm and aortic dissection. Last evaluated: 2025-05-19. Review status: criteria provided, single submitter. Criteria: Invitae Variant Classification Sherloc (09022015). Collection method: clinical testing. Allele origin: germline.
Comment: This sequence change replaces glycine, which is neutral and non-polar, with serine, which is neutral and polar, at codon 214 of the FBN1 protein (p.Gly214Ser). This variant is not present in population databases (gnomAD no frequency). This missense change has been observed in individuals with ectopia lentis, Marfan syndrome, aortopathy and thoracic aortic aneurysms and dissections (PMID: 15733436, 17657824, 22262941, 22772377, 26787436, 27611364). It has also been observed to segregate with disease in related individuals. ClinVar contains an entry for this variant (Variation ID: 199956). Invitae Evidence Modeling of protein sequence and biophysical properties (such as structural, functional, and spatial information, amino acid conservation, physicochemical variation, residue mobility, and thermodynamic stability) indicates that this missense variant is expected to disrupt FBN1 protein function with a positive predictive value of 95%. For these reasons, this variant has been classified as Pathogenic.

Variantyx, Inc.
Classification: Pathogenic for Marfan syndrome. Last evaluated: 2025-03-17. Review status: criteria provided, single submitter. Criteria: Variantyx Assertion Criteria 2022. Collection method: clinical testing. Allele origin: de novo. Affected: yes.
Comment: This is a nonsynonymous variant in the FBN1 gene (OMIM: 134797). Pathogenic variants in this gene have been associated with autosomal dominant Marfan syndrome. This variant has been reported in several unrelated affected individuals (PMID: 17657824, 22262941 , 22772377 , 15733436, 33174221, 18435798 ) (PS4). This variant has been observed to segregate with disease in at least 12 individuals from 1 family (PMID: 22262941) (PP1_Strong). Multiple computational algorithms predict a deleterious effect for this variant (REVEL score: 0.919) (PP3). This variant is absent from control populations (PM2_Supporting). Based on the current evidence, this variant is classified as pathogenic for autosomal dominant Marfan syndrome.

Ambry Genetics
Classification: Pathogenic for Familial thoracic aortic aneurysm and aortic dissection. Last evaluated: 2025-02-05. Review status: criteria provided, single submitter. Criteria: Ambry Variant Classification Scheme 2023. Collection method: clinical testing. Allele origin: germline.
Comment: The p.G214S pathogenic mutation (also known as c.640G>A), located in coding exon 6 of the FBN1 gene, results from a G to A substitution at nucleotide position 640. The glycine at codon 214 is replaced by serine, an amino acid with similar properties. This mutation was initially described in a Chinese family with ectopia lentis and was reported to segregate with disease in affected family members (Sui RF et al. Zhonghua Yan Ke Za Zhi, 2004 Dec;40:828-31). Subsequently, this mutation has been described in multiple individuals with Marfan syndrome (MFS) from a variety of ethnic backgrounds, including one large family with segregation in 13 family members with MFS (Comeglio P et al. Hum. Mutat., 2007 Sep;28:928; Attanasio M et al. Clin. Genet., 2008 Jul;74:39-46; Stheneur C et al. Eur. J. Hum. Genet., 2009 Sep;17:1121-8; Dong J et al. Mol. Vis., 2012 Jan;18:81-6; Franken R et al. Eur. Heart J., 2016 11;37:3285-3290). This variant is considered to be rare based on population cohorts in the Genome Aggregation Database (gnomAD). In addition, this alteration is predicted to be deleterious by in silico analysis. Based on the supporting evidence, this variant is interpreted as a disease-causing mutation.

3billion
Classification: Pathogenic for Marfan syndrome. Last evaluated: 2024-09-29. Review status: criteria provided, single submitter. Criteria: ACMG Guidelines, 2015. Collection method: clinical testing. Allele origin: germline. Affected: yes.
Comment: The variant is not observed in the gnomAD v4.1.0 dataset. Predicted Consequence/Location: Missense variant In silico tool predictions suggest damaging effect of the variant on gene or gene product [REVEL: 0.92 (>=0.6, sensitivity 0.68 and specificity 0.92); 3Cnet: 0.87 (>=0.6, sensitivity 0.72 and precision 0.9)]. The same nucleotide change resulting in the same amino acid change has been previously reported as pathogenic/likely pathogenic with strong evidence (ClinVar ID: VCV000199956 /PMID: 15733436). The variant has been reported to co-segregate with the disease in at least 7 similarly affected relatives/individuals in at least two unrelated families (PMID: 22262941). Different missense changes at the same codon (p.Gly214Arg, p.Gly214Asp) have been reported to be associated with FBN1 related disorder (ClinVar ID: VCV002662788 /PMID: 19659760, 27906200). Therefore, this variant is classified as Pathogenic according to the recommendation of ACMG/AMP guideline.

Division of Human Genetics, National Health Laboratory Service/University of the Witwatersrand
Classification: Pathogenic for Marfan syndrome. Last evaluated: 2023-07-01. Review status: criteria provided, single submitter. Criteria: ACMG Guidelines, 2015. Collection method: research. Allele origin: germline. Affected: yes.

Centre of Medical Genetics, University of Antwerp
Classification: Likely pathogenic for Marfan syndrome. Last evaluated: 2021-03-01. Review status: criteria provided, single submitter. Criteria: Submitter's publication. Collection method: research. Allele origin: unknown. Affected: yes.
Comment: PM2, PS1, PP4

Clinical Genetics and Genomics, Karolinska University Hospital
Classification: Pathogenic. Last evaluated: 2019-10-22. Review status: criteria provided, single submitter. Criteria: ACMG Guidelines, 2015. Collection method: clinical testing. Allele origin: germline. Affected: yes. Observed: 1 variant allele.

Blueprint Genetics
Classification: Pathogenic for FBN1-related disorders. Last evaluated: 2019-06-19. Review status: criteria provided, single submitter. Criteria: ACMG Guidelines, 2015. Collection method: clinical testing. Allele origin: germline. Affected: yes. Observed: 3 variant alleles.

Institute of Human Genetics, University Medical Center Hamburg-Eppendorf
Classification: Pathogenic for Thoracic aortic aneurysm and aortic dissection. Last evaluated: 2018-11-20. Review status: criteria provided, single submitter. Criteria: ACMG Guidelines, 2015. Collection method: clinical testing. Allele origin: unknown. Inheritance: Autosomal dominant inheritance. Affected: yes.

Women's Health and Genetics/Laboratory Corporation of America, LabCorp
Classification: Pathogenic for Marfan Syndrome/Loeys-Dietz Syndrome/Familial Thoracic Aortic Aneurysms and Dissections. Last evaluated: 2017-06-15. Review status: criteria provided, single submitter. Criteria: LabCorp Variant Classification Summary - May 2015. Collection method: clinical testing. Allele origin: germline.
Comment: Variant summary: The FBN1 c.640G>A (p.Gly214Ser) variant involves the alteration of a conserved nucleotide, resulting in a missense substitution in the first TB domain of the protein (InterPro). 4/4 in silico tools predict a damaging outcome for this variant (SNPsandGO not captured due to low reliability index). This variant is absent from the large control database ExAC (0/121464 control chromosomes). The variant has been found to segregate with classical Marfan syndrome within a four-generation nonconsanguineous Chinese family (Dong_Mol Vis_2012). It has also been identified in patients with Marfan syndrome or Marfan-related disorders (Stheneur_EJHG_2009; Franken_Euro Heart J_2016). In addition, one clinical diagnostic laboratory has classified this variant as pathogenic. Taken together, this variant is classified as pathogenic.

Center for Medical Genetics Ghent, University of Ghent
Classification: Uncertain significance for Marfan syndrome. Last evaluated: 2017-11-07. Review status: no assertion criteria provided. Collection method: clinical testing. Allele origin: germline. Affected: yes. Not counted in ClinVar's aggregate classification.

Literature cited by the submitters: PubMed 15733436 (cited by 4 submitters); PubMed 17657824 (cited by Labcorp Genetics (formerly Invitae), Labcorp and Ambry Genetics); PubMed 22262941 (cited by 4 submitters); PubMed 22772377 (cited by Labcorp Genetics (formerly Invitae), Labcorp); PubMed 26787436 (cited by 3 submitters); PubMed 27611364 (cited by Labcorp Genetics (formerly Invitae), Labcorp and Ambry Genetics); PubMed 18435798 (cited by Ambry Genetics); PubMed 19293843 (cited by Ambry Genetics and Women's Health and Genetics/Laboratory Corporation of America, LabCorp); PubMed 30341550 (cited by Ambry Genetics); PubMed 19659760 (cited by 3billion); PubMed 30675029 (cited by Institute of Human Genetics, University Medical Center Hamburg-Eppendorf); PubMed 12938084 (cited by Women's Health and Genetics/Laboratory Corporation of America, LabCorp).

NM_000138.5(FBN1):c.640G>A (p.Gly214Ser)

Gene: FBN1 (fibrillin 1; minus strand). Cytogenetic location: 15q21.1.
Variant type: single nucleotide variant.
Coding change: c.640G>A on transcript NM_000138.5 (MANE Select); coding-DNA position 640, G replaced by A.
Protein change: p.Gly214Ser; replaces glycine 214 with serine.
Molecular consequence: missense variant.
Genome position (GRCh38, 1-based): chr15:48,537,707, C>T on the plus strand (G>A on the coding strand, the complement: FBN1 is on the minus strand). VCF-style: chr15-48537707-C-T. GRCh37 (hg19) VCF-style: chr15-48829904-C-T.
Other names: short protein forms G214S.
Identifiers: ClinVar variation 199956 (VCV000199956.38), dbSNP rs794728162, ClinGen allele CA016423.
Genomic context (GRCh38, chr15:48,537,707, plus strand): 5'-CACGGCGGCAGGGGTGAGGCTGGGCAGGACACATCTCACAGGGGTGGCCCCAGGCTCGGC[C>T]GACTGTGGCACAGCAGAGCGTTTTTGTGCAGACAATCCCGCTGAGTTGTCCCTGGCACAT-3'
Protein context (NP_000129.3, residues 204-224): CTKTLCCATV[Gly214Ser]RAWGHPCEMC